The following is an entry in ClinVar:

NM_001346810.2(DLGAP2):c.2138G>A (p.Arg713His)

Gene: DLGAP2 (DLG associated protein 2; plus strand). Cytogenetic location: 8p23.3.
Variant type: single nucleotide variant.
Coding change: c.2138G>A on transcript NM_001346810.2 (MANE Select); coding-DNA position 2138, G replaced by A.
Protein change: p.Arg713His; replaces arginine 713 with histidine.
Molecular consequence: missense variant.
Genome position (GRCh38, 1-based): chr8:1,668,656, G>A. VCF-style: chr8-1668656-G-A. GRCh37 (hg19) VCF-style: chr8-1616822-G-A.
Other names: short protein forms R713H.
Identifiers: ClinVar variation 3048141 (VCV003048141.2), dbSNP rs535837045, ClinGen allele CA4598732.

ClinVar aggregate classification (germline): Likely benign (0 of 4 stars; one submission).

Conditions:
DLGAP2-related disorder. Also called: DLGAP2-related condition.

Allele frequency attached by ClinVar (database versions not stated): TOPMed 0.00003; gnomAD 0.00006; gnomAD exomes 0.00012; 1000 Genomes Project 30x 0.00016; 1000 Genomes Project 0.00020; ExAC 0.00052.
gnomAD v4.1: 174 of 1,570,964 alleles (0.011%); highest among the groups gnomAD compares: South Asian, 0.19%; 2 homozygotes.

Submission:

PreventionGenetics, part of Exact Sciences
Classification: Likely benign for DLGAP2-related condition. Last evaluated: 2019-04-11. Review status: no assertion criteria provided. Collection method: clinical testing. Allele origin: germline.
Comment: This variant is classified as likely benign based on ACMG/AMP sequence variant interpretation guidelines (Richards et al. 2015 PMID: 25741868, with internal and published modifications).